The following is an entry in ClinVar:

NM_022124.6(CDH23):c.747TCC[1] (p.Pro251del)

Gene: CDH23 (cadherin related 23; plus strand). Cytogenetic location: 10q22.1.
Variant type: Microsatellite.
Coding change: c.747TCC[1] on transcript NM_022124.6 (MANE Select); one copy of the 3-base unit TCC starting at c.747; the reference has two copies in a row; one copy, 3 bases deleted.
Protein change: p.Pro251del; deletes proline 251.
Molecular consequence: inframe deletion.
Genome position (GRCh38, 1-based): chr10:71,570,915-71,570,917, TCC deleted; deleting any 3 consecutive bases within chr10:71,570,911-71,570,917 gives the same sequence; the position shown is the placement nearest the transcript's 3' end. VCF-style (leftmost placement, unchanged base first): chr10-71570910-TCTC-T. GRCh37 (hg19) VCF-style: chr10-73330667-TCTC-T.
Other names: c.747TCC[1], p.Pro251del (NM_001171930.2, NM_001171931.2, NM_001171932.2 and 1 more transcripts); short protein forms P251del.
Identifiers: ClinVar variation 1361595 (VCV001361595.8), dbSNP rs2132375522, ClinGen allele CA2580615501.

ClinVar aggregate classification (germline): Uncertain significance (1 of 4 stars; one submission).

Submission:

Labcorp Genetics (formerly Invitae), Labcorp
Classification: Uncertain significance. Last evaluated: 2022-06-20. Review status: criteria provided, single submitter. Criteria: Invitae Variant Classification Sherloc (09022015). Collection method: clinical testing. Allele origin: germline.
Comment: This variant is not present in population databases (gnomAD no frequency). In summary, the available evidence is currently insufficient to determine the role of this variant in disease. Therefore, it has been classified as a Variant of Uncertain Significance. Experimental studies and prediction algorithms are not available or were not evaluated, and the functional significance of this variant is currently unknown. This variant has been observed in individuals with clinical features of Usher syndrome (Invitae). This variant, c.750_752del, results in the deletion of 1 amino acid(s) of the CDH23 protein (p.Pro251del), but otherwise preserves the integrity of the reading frame.